The following is an entry in ClinVar:

ClinVar aggregate classification (germline): Pathogenic. Review status: criteria provided, multiple submitters, no conflicts (2 of 4 stars). 2 submissions from 2 submitters: Pathogenic (2). Last evaluated 2023-10-01.

Conditions:
Enhanced S-cone syndrome (ESCS). Identifiers: Orphanet 53540, MedGen C1849394, MONDO:0100288, MONDO:0009989.

Submissions (2):

Baylor Genetics
Classification: Pathogenic for ENHANCED S-CONE SYNDROME 1. Last evaluated: 2023-10-01. Review status: criteria provided, single submitter. Criteria: ACMG Guidelines, 2015. Collection method: clinical testing. Allele origin: unknown.

Labcorp Genetics (formerly Invitae), Labcorp
Classification: Pathogenic. Last evaluated: 2023-09-01. Review status: criteria provided, single submitter. Criteria: Invitae Variant Classification Sherloc (09022015). Collection method: clinical testing. Allele origin: germline.
Comment: This sequence change creates a premature translational stop signal (p.Ile195Leufs*56) in the NR2E3 gene. It is expected to result in an absent or disrupted protein product. Loss-of-function variants in NR2E3 are known to be pathogenic (PMID: 15459973, 27522502). This variant is not present in population databases (gnomAD no frequency). This variant has not been reported in the literature in individuals affected with NR2E3-related conditions. For these reasons, this variant has been classified as Pathogenic.

Literature cited by the submitters: PubMed 15459973 (cited by Labcorp Genetics (formerly Invitae), Labcorp); PubMed 27522502 (cited by Labcorp Genetics (formerly Invitae), Labcorp).

NM_014249.4(NR2E3):c.583del (p.Ile195fs)

Gene: NR2E3 (nuclear receptor subfamily 2 group E member 3; plus strand). Cytogenetic location: 15q23.
Variant type: Deletion.
Coding change: c.583del on transcript NM_014249.4 (MANE Select); coding-DNA position 583, one base deleted (A; older notation c.583delA).
Protein change: p.Ile195fs; shifts the reading frame from isoleucine 195.
Molecular consequence: frameshift variant.
Genome position (GRCh38, 1-based): chr15:71,812,347, A deleted. VCF-style (leftmost placement, unchanged base first): chr15-71812346-TA-T. GRCh37 (hg19) VCF-style: chr15-72104686-TA-T.
Other names: c.583del, p.Ile195fs (NM_016346.4); short protein forms I195fs.
Identifiers: ClinVar variation 2677356 (VCV002677356.4), dbSNP rs2543254818, ClinGen allele CA1139768743.